The following is an entry in ClinVar:

NM_000059.4(BRCA2):c.6282_6289del (p.Ser2095fs)

Gene: BRCA2 (BRCA2 DNA repair associated; plus strand). Cytogenetic location: 13q13.1.
Variant type: Deletion.
Coding change: c.6282_6289del on transcript NM_000059.4 (MANE Select); coding-DNA positions 6282 to 6289, 8 bases deleted (TTCACCTA; older notation c.6282_6289delTTCACCTA).
Protein change: p.Ser2095fs; shifts the reading frame from serine 2095.
Molecular consequence: frameshift variant.
Genome position (GRCh38, 1-based): chr13:32,340,637-32,340,644, TTCACCTA deleted; deleting any 8 consecutive bases within chr13:32,340,634-32,340,644 gives the same sequence; the c. name uses the placement nearest the transcript's 3' end. VCF-style (leftmost placement, unchanged base first): chr13-32340633-ACTATTCAC-A. GRCh37 (hg19) VCF-style: chr13-32914770-ACTATTCAC-A.
Other names: 6510del8; c.6282_6289delTTCACCTA (NM_000059.3); short protein forms S2095fs.
Identifiers: ClinVar variation 52047 (VCV000052047.4), dbSNP rs80359573, ClinGen allele CA023821.

ClinVar aggregate classification (germline): Pathogenic. Review status: reviewed by expert panel (3 of 4 stars). 3 submissions from 3 submitters: Pathogenic (1). 2 of the submissions do not count toward it. Last evaluated 2016-09-08.

Conditions:
Hereditary breast ovarian cancer syndrome. Also called: Hereditary breast and ovarian cancer syndrome; Hereditary breast and ovarian cancer; Hereditary breast and ovarian cancer syndrome (HBOC); Breast and ovarian cancer; Hereditary breast and/or ovarian cancer syndrome; BRCA1- and BRCA2-Associated Hereditary Breast and Ovarian Cancer. Identifiers: Orphanet 145, MedGen C0677776, MeSH D061325, MONDO:0003582. Disease mechanism: loss of function.
Breast-ovarian cancer, familial, susceptibility to, 2 (BROVCA2). Also called: BRCA2 Hereditary Breast and Ovarian Cancer. Identifiers: Orphanet 145, MedGen C2675520, MONDO:0012933, OMIM 612555. Disease mechanism: loss of function.

Submissions (3):

Evidence-based Network for the Interpretation of Germline Mutant Alleles (ENIGMA)
Classification: Pathogenic for Breast-ovarian cancer, familial, susceptibility to, 2. Last evaluated: 2016-09-08. Review status: reviewed by expert panel. Criteria: ENIGMA BRCA1/2 Classification Criteria (2015). Collection method: curation. Allele origin: germline.
Comment: Variant allele predicted to encode a truncated non-functional protein.

Labcorp Genetics (formerly Invitae), Labcorp
Classification: Pathogenic for Hereditary breast ovarian cancer syndrome. Last evaluated: 2024-08-13. Review status: criteria provided, single submitter. Criteria: Invitae Variant Classification Sherloc (09022015). Collection method: clinical testing. Allele origin: germline. Not counted in ClinVar's aggregate classification.
Comment: This sequence change creates a premature translational stop signal (p.Ser2095Valfs*2) in the BRCA2 gene. It is expected to result in an absent or disrupted protein product. Loss-of-function variants in BRCA2 are known to be pathogenic (PMID: 20104584). This variant is not present in population databases (gnomAD no frequency). This premature translational stop signal has been observed in individual(s) with BRCA2-related conditions (PMID: 28873162). ClinVar contains an entry for this variant (Variation ID: 52047). For these reasons, this variant has been classified as Pathogenic.

Breast Cancer Information Core (BIC) (BRCA2)
Classification: Pathogenic for Breast-ovarian cancer, familial 2. Last evaluated: 2003-12-23. Review status: no assertion criteria provided. Collection method: clinical testing. Allele origin: germline. Affected: yes. Observed: 1 variant allele. Not counted in ClinVar's aggregate classification.

Literature cited by the submitters: PubMed 20104584 (cited by Labcorp Genetics (formerly Invitae), Labcorp); PubMed 28873162 (cited by Labcorp Genetics (formerly Invitae), Labcorp).